The following is an entry in ClinVar:

ClinVar aggregate classification (germline): Likely benign. Review status: criteria provided, single submitter (1 of 4 stars). 2 submissions from 2 submitters: Likely benign (1). 1 of the submissions does not count toward it. Last evaluated 2024-02-11.

Conditions:
Bardet-Biedl syndrome (BBS). Identifiers: Orphanet 110, MedGen C0752166, MONDO:0015229.
BBS4-related disorder. Also called: BBS4-related condition.

Allele frequency attached by ClinVar (database versions not stated): gnomAD exomes below 0.00001; TOPMed below 0.00001.

Submissions (2):

Labcorp Genetics (formerly Invitae), Labcorp
Classification: Likely benign for Bardet-Biedl syndrome. Last evaluated: 2024-02-11. Review status: criteria provided, single submitter. Criteria: Invitae Variant Classification Sherloc (09022015). Collection method: clinical testing. Allele origin: germline.

PreventionGenetics, part of Exact Sciences
Classification: Likely benign for BBS4-related condition. Last evaluated: 2020-10-26. Review status: no assertion criteria provided. Collection method: clinical testing. Allele origin: germline. Not counted in ClinVar's aggregate classification.
Comment: This variant is classified as likely benign based on ACMG/AMP sequence variant interpretation guidelines (Richards et al. 2015 PMID: 25741868, with internal and published modifications).

NM_033028.5(BBS4):c.636C>T (p.Tyr212=)

Gene: BBS4 (Bardet-Biedl syndrome 4; plus strand). Cytogenetic location: 15q24.1.
Variant type: single nucleotide variant.
Coding change: c.636C>T on transcript NM_033028.5 (MANE Select); coding-DNA position 636, C replaced by T.
Protein change: p.Tyr212=; no amino-acid change (tyrosine 212 retained).
Molecular consequence: synonymous variant. On other transcripts: non-coding transcript variant (2).
Genome position (GRCh38, 1-based): chr15:72,727,988, C>T. VCF-style: chr15-72727988-C-T. GRCh37 (hg19) VCF-style: chr15-73020329-C-T.
Other names: c.120C>T, p.Tyr40= (NM_001252678.2); c.636C>T, p.Tyr212= (NM_001320665.2); c.636C>T (NM_033028.4).
Identifiers: ClinVar variation 1627767 (VCV001627767.9), dbSNP rs1239795042, ClinGen allele CA491116920.